The following is an entry in ClinVar:

NM_001184.4(ATR):c.1535T>A (p.Met512Lys)

Gene: ATR (ATR checkpoint kinase; minus strand). Cytogenetic location: 3q23.
Variant type: single nucleotide variant.
Coding change: c.1535T>A on transcript NM_001184.4 (MANE Select); coding-DNA position 1535, T replaced by A.
Protein change: p.Met512Lys; replaces methionine 512 with lysine.
Molecular consequence: missense variant. On other transcripts: intron variant (1).
Genome position (GRCh38, 1-based): chr3:142,560,269, A>T on the plus strand (T>A on the coding strand, the complement: ATR is on the minus strand). VCF-style: chr3-142560269-A-T. GRCh37 (hg19) VCF-style: chr3-142279111-A-T.
Other names: c.1350-828T>A (NM_001354579.2); short protein forms M512K.
Identifiers: ClinVar variation 1774711 (VCV001774711.2), dbSNP rs757913774, ClinGen allele CA2650578.
Genomic context (GRCh38, chr3:142,560,269, plus strand): 5'-AATCCAAGTTCATTACAGGAAACCCAACCCCAAGAAACAAGAAGTTTGTTTTACCAGTTC[A>T]TGTTTTGATGAGAACAATGAACAGTACACAGAGCAGTCAGTTGTAAGACAACAGCAATTC-3'
Protein context (NP_001175.2, residues 502-522): LCTVHCSHQN[Met512Lys]NCRTFKDCQH

ClinVar aggregate classification (germline): Uncertain significance (1 of 4 stars; one submission).

Conditions:
Inborn genetic diseases. Identifiers: MedGen C0950123, MeSH D030342.

Allele frequency attached by ClinVar (database versions not stated): ExAC 0.00001.

Submission:

Ambry Genetics
Classification: Uncertain significance for Inborn genetic diseases. Last evaluated: 2022-08-28. Review status: criteria provided, single submitter. Criteria: Ambry Variant Classification Scheme 2023. Collection method: clinical testing. Allele origin: germline.
Comment: The p.M512K variant (also known as c.1535T>A), located in coding exon 6 of the ATR gene, results from a T to A substitution at nucleotide position 1535. The methionine at codon 512 is replaced by lysine, an amino acid with similar properties. This amino acid position is conserved. In addition, this alteration is predicted to be tolerated by in silico analysis. Since supporting evidence is limited at this time, the clinical significance of this alteration remains unclear.